The following is an entry in ClinVar:

ClinVar aggregate classification (germline): Uncertain significance (1 of 4 stars; one submission).

Submission:

Labcorp Genetics (formerly Invitae), Labcorp
Classification: Uncertain significance. Last evaluated: 2026-01-07. Review status: criteria provided, single submitter. Criteria: Invitae Variant Classification Sherloc (09022015). Collection method: clinical testing. Allele origin: germline.
Comment: This sequence change replaces threonine, which is neutral and polar, with alanine, which is neutral and non-polar, at codon 3120 of the KMT2A protein (p.Thr3120Ala). This variant is not present in population databases (gnomAD no frequency). This variant has not been reported in the literature in individuals affected with KMT2A-related conditions. Invitae Evidence Modeling of protein sequence and biophysical properties (such as structural, functional, and spatial information, amino acid conservation, physicochemical variation, residue mobility, and thermodynamic stability) indicates that this missense variant is not expected to disrupt KMT2A protein function with a negative predictive value of 95%. In summary, the available evidence is currently insufficient to determine the role of this variant in disease. Therefore, it has been classified as a Variant of Uncertain Significance.

NM_001197104.2(KMT2A):c.9358A>G (p.Thr3120Ala)

Gene: KMT2A (lysine methyltransferase 2A; plus strand). Cytogenetic location: 11q23.3.
Variant type: single nucleotide variant.
Coding change: c.9358A>G on transcript NM_001197104.2 (MANE Select); coding-DNA position 9358, A replaced by G.
Protein change: p.Thr3120Ala; replaces threonine 3120 with alanine.
Molecular consequence: missense variant.
Genome position (GRCh38, 1-based): chr11:118,505,250, A>G. VCF-style: chr11-118505250-A-G. GRCh37 (hg19) VCF-style: chr11-118375965-A-G.
Other names: c.9448A>G, p.Thr3150Ala (NM_001412597.1); c.9349A>G, p.Thr3117Ala (NM_005933.4); short protein forms T3117A, T3120A, T3150A.
Identifiers: ClinVar variation 4800573 (VCV004800573.1).